The following is an entry in ClinVar:

ClinVar aggregate classification (germline): Uncertain significance (1 of 4 stars; one submission).

Allele frequency attached by ClinVar (database versions not stated): gnomAD exomes 0.00001; TOPMed 0.00001; gnomAD 0.00002 and 0.00003.
gnomAD v4.1: 11 of 1,464,230 alleles (0.00075%); highest among the groups gnomAD compares: South Asian, 0.0068%; no homozygotes.

Submission:

Labcorp Genetics (formerly Invitae), Labcorp
Classification: Uncertain significance. Last evaluated: 2025-08-08. Review status: criteria provided, single submitter. Criteria: Invitae Variant Classification Sherloc (09022015). Collection method: clinical testing. Allele origin: germline.
Comment: This sequence change falls in intron 9 of the IL23R gene. It does not directly change the encoded amino acid sequence of the IL23R protein. It affects a nucleotide within the consensus splice site. This variant is not present in population databases (gnomAD no frequency). This variant has not been reported in the literature in individuals affected with IL23R-related conditions. ClinVar contains an entry for this variant (Variation ID: 1416923). Variants that disrupt the consensus splice site are a relatively common cause of aberrant splicing (PMID: 17576681, 9536098). Algorithms developed to predict the effect of sequence changes on RNA splicing suggest that this variant is not likely to affect RNA splicing. In summary, the available evidence is currently insufficient to determine the role of this variant in disease. Therefore, it has been classified as a Variant of Uncertain Significance.

Literature cited by the submitters: PubMed 17576681; PubMed 9536098.

NM_144701.3(IL23R):c.1149-3T>C

Gene: IL23R (interleukin 23 receptor; plus strand). Cytogenetic location: 1p31.3.
Variant type: single nucleotide variant.
Coding change: c.1149-3T>C on transcript NM_144701.3 (MANE Select); 3 bases into the intron before coding-DNA position 1149, T replaced by C.
Molecular consequence: intron variant.
Genome position (GRCh38, 1-based): chr1:67,255,834, T>C. VCF-style: chr1-67255834-T-C. GRCh37 (hg19) VCF-style: chr1-67721517-T-C.
Identifiers: ClinVar variation 1416923 (VCV001416923.6), dbSNP rs1181829957, ClinGen allele CA738092878.
Genomic context (GRCh38, chr1:67,255,834, plus strand): 5'-GTTGACTTCCTAATCTCCTATATGATTGCCTGCTTCTTCTAACGTGTCATTTTTGTTTTT[T>C]AGGATTAAAAGAAGGATCTTATTGTTAATACCAAAGTGGCTTTATGAAGATATTCCTAAT-3'